The following is an entry in ClinVar:

ClinVar aggregate classification (germline): Conflicting classifications of pathogenicity. Review status: criteria provided, conflicting classifications (1 of 4 stars). 2 submissions from 2 submitters: Uncertain significance (1); Likely benign (1). Last evaluated 2024-11-22.

Conditions:
GM3 synthase deficiency (SPDRS). Also called: SALT AND PEPPER DEVELOPMENTAL REGRESSION SYNDROME; AMISH INFANTILE EPILEPSY SYNDROME; SALT AND PEPPER MENTAL RETARDATION SYNDROME. Identifiers: Orphanet 171714, Orphanet 370933, MedGen C1836824, MONDO:0018274, OMIM 609056.

Allele frequency attached by ClinVar (database versions not stated): gnomAD 0.00001 and 0.00003; TOPMed 0.00003; gnomAD exomes 0.00006 and 0.00008; ExAC 0.00007.
gnomAD v4.1: 92 of 1,613,734 alleles (0.0057%); highest among the groups gnomAD compares: Non-Finnish European, 0.007%; no homozygotes.

Submissions (2):

Blueprint Genetics
Classification: Likely benign. Last evaluated: 2024-11-22. Review status: criteria provided, single submitter. Criteria: ACMG Guidelines, 2015. Collection method: clinical testing. Allele origin: germline.

Labcorp Genetics (formerly Invitae), Labcorp
Classification: Uncertain significance for GM3 synthase deficiency. Last evaluated: 2022-09-01. Review status: criteria provided, single submitter. Criteria: Invitae Variant Classification Sherloc (09022015). Collection method: clinical testing. Allele origin: germline.
Comment: This sequence change replaces alanine, which is neutral and non-polar, with valine, which is neutral and non-polar, at codon 359 of the ST3GAL5 protein (p.Ala359Val). This variant is present in population databases (rs201425015, gnomAD 0.02%). This variant has not been reported in the literature in individuals affected with ST3GAL5-related conditions. ClinVar contains an entry for this variant (Variation ID: 578981). Algorithms developed to predict the effect of missense changes on protein structure and function output the following: SIFT: "Deleterious"; PolyPhen-2: "Possibly Damaging"; Align-GVGD: "Class C55". The valine amino acid residue is found in multiple mammalian species, which suggests that this missense change does not adversely affect protein function. Algorithms developed to predict the effect of sequence changes on RNA splicing suggest that this variant may create or strengthen a splice site. In summary, the available evidence is currently insufficient to determine the role of this variant in disease. Therefore, it has been classified as a Variant of Uncertain Significance.

NM_003896.4(ST3GAL5):c.1076C>T (p.Ala359Val)

Gene: ST3GAL5 (ST3 beta-galactoside alpha-2,3-sialyltransferase 5; minus strand). Cytogenetic location: 2p11.2.
Variant type: single nucleotide variant.
Coding change: c.1076C>T on transcript NM_003896.4 (MANE Select); coding-DNA position 1076, C replaced by T.
Protein change: p.Ala359Val; replaces alanine 359 with valine.
Molecular consequence: missense variant.
Genome position (GRCh38, 1-based): chr2:85,840,325, G>A on the plus strand (C>T on the coding strand, the complement: ST3GAL5 is on the minus strand). VCF-style: chr2-85840325-G-A. GRCh37 (hg19) VCF-style: chr2-86067448-G-A.
Other names: c.692C>T, p.Ala231Val (NM_001354233.2, NM_001354234.1, NM_001354248.1 and 3 more transcripts); c.992C>T, p.Ala331Val (NM_001354238.1, NM_001354227.2, NM_001354229.2); c.353C>T, p.Ala118Val (NM_001354247.1); c.917C>T, p.Ala306Val (NM_001363847.1); c.1007C>T, p.Ala336Val (NM_001042437.2); short protein forms A359V, A336V, A118V, A331V, A231V, A306V.
Identifiers: ClinVar variation 578981 (VCV000578981.7), dbSNP rs201425015, ClinGen allele CA1744890.
Genomic context (GRCh38, chr2:85,840,325, plus strand): 5'-CATTGACTGTCGAAGTAGTGCAAAGGTGTTCTGGGTTGATTGAGGTCATATCCAAAACCC[G>A]CCAAACTGACTTCATCGCACAGATGTGTGGCTAAGACAACGGCAATGACACCGATTGTGG-3'
Protein context (NP_003887.3, residues 349-369): ATHLCDEVSL[Ala359Val]GFGYDLNQPR